The following is an entry in ClinVar:

NM_001620.3(AHNAK):c.1298A>G (p.Lys433Arg)

Gene: AHNAK (AHNAK nucleoprotein; minus strand). Cytogenetic location: 11q12.3.
Variant type: single nucleotide variant.
Coding change: c.1298A>G on transcript NM_001620.3 (MANE Select); coding-DNA position 1298, A replaced by G.
Protein change: p.Lys433Arg; replaces lysine 433 with arginine.
Molecular consequence: missense variant. On other transcripts: intron variant (1).
Genome position (GRCh38, 1-based): chr11:62,533,119, T>C on the plus strand (A>G on the coding strand, the complement: AHNAK is on the minus strand). VCF-style: chr11-62533119-T-C. GRCh37 (hg19) VCF-style: chr11-62300591-T-C.
Other names: c.1298A>G, p.Lys433Arg (NM_001346445.2, NM_001346446.2); c.342+1884A>G (NM_024060.4); short protein forms K433R.
Identifiers: ClinVar variation 2210830 (VCV002210830.16), dbSNP rs150917737, ClinGen allele CA6046716.
Genomic context (GRCh38, chr11:62,533,119, plus strand): 5'-ACATCAATCCCAGTTTCCTCTCCCTTTGCACCTGATACAGAGAACTTGGGGACTTTCATC[T>C]TGGGCACATTCAGTTTGCTCCCAGGCCCCTGAACATCAATGTCAGGGGCCTGAACTTCCA-3'
Protein context (NP_001611.1, residues 423-443): QGPGSKLNVP[Lys433Arg]MKVPKFSVSG

ClinVar aggregate classification (germline): Conflicting classifications of pathogenicity. Review status: criteria provided, conflicting classifications (1 of 4 stars). 2 submissions from 2 submitters: Uncertain significance (1); Benign (1). Last evaluated 2025-11-26.

Allele frequency attached by ClinVar (database versions not stated): 1000 Genomes Project 30x 0.00047; TOPMed 0.00051; gnomAD 0.00056; 1000 Genomes Project 0.00060; gnomAD exomes 0.00063; ExAC 0.00070; ESP Exome Variant Server 0.00077.
gnomAD v4.1: 961 of 1,573,466 alleles (0.061%); highest among the groups gnomAD compares: Non-Finnish European, 0.07%; 1 homozygote.

Submissions (2):

Ambry Genetics
Classification: Uncertain significance. Last evaluated: 2025-11-26. Review status: criteria provided, single submitter. Criteria: Ambry Variant Classification Scheme 2023. Collection method: clinical testing. Allele origin: germline.

CeGaT Center for Human Genetics Tuebingen
Classification: Benign. Last evaluated: 2025-07-01. Review status: criteria provided, single submitter. Criteria: CeGaT Center For Human Genetics Tuebingen Variant Classification Criteria Version 2. Collection method: clinical testing. Allele origin: germline. Affected: yes. Observed: 2 variant alleles.
Comment: AHNAK: BS1, BS2